The following is an entry in ClinVar:

ClinVar aggregate classification (germline): Pathogenic (1 of 4 stars; one submission).

Conditions:
Temtamy syndrome (TEMTYS). Also called: MENTAL RETARDATION WITH OR WITHOUT CRANIOFACIAL DYSMORPHISM, OCULAR COLOBOMA, OR ABNORMAL CORPUS CALLOSUM. Identifiers: Orphanet 1777, MedGen C1857512, MONDO:0009033, OMIM 218340.

Allele frequency attached by ClinVar (database versions not stated): gnomAD exomes below 0.00001; TOPMed below 0.00001; ExAC 0.00002.

Submission:

Labcorp Genetics (formerly Invitae), Labcorp
Classification: Pathogenic for Temtamy syndrome. Last evaluated: 2022-12-31. Review status: criteria provided, single submitter. Criteria: Invitae Variant Classification Sherloc (09022015). Collection method: clinical testing. Allele origin: germline.
Comment: For these reasons, this variant has been classified as Pathogenic. This variant has not been reported in the literature in individuals affected with C12orf57-related conditions. This variant is present in population databases (rs782435454, gnomAD 0.003%). This sequence change creates a premature translational stop signal (p.Gln15Alafs*28) in the C12orf57 gene. It is expected to result in an absent or disrupted protein product. Loss-of-function variants in C12orf57 are known to be pathogenic (PMID: 23453665, 24798461).

Literature cited by the submitters: PubMed 23453665; PubMed 24798461.

NM_138425.4(C12orf57):c.41dup (p.Gln15fs)

Gene: C12orf57 (chromosome 12 open reading frame 57; plus strand). Cytogenetic location: 12p13.31.
Variant type: Duplication.
Coding change: c.41dup on transcript NM_138425.4 (MANE Select); coding-DNA position 41, one base duplicated (A; older notation c.41dupA).
Protein change: p.Gln15fs; shifts the reading frame from glutamine 15.
Molecular consequence: frameshift variant. On other transcripts: 5 prime UTR variant (1), non-coding transcript variant (1), intron variant (1).
Genome position (GRCh38, 1-based): chr12:6,944,162, A duplicated. VCF-style (leftmost placement, unchanged base first): chr12-6944161-G-GA. GRCh37 (hg19) VCF-style: chr12-7053324-G-GA.
Other names: c.41dup, p.Gln15fs (NM_001301834.1, NM_001301837.2); c.-161dup (NM_001301838.2); c.14-314dup (NM_001301836.2); short protein forms Q15fs.
Identifiers: ClinVar variation 1933844 (VCV001933844.5), dbSNP rs782435454, ClinGen allele CA6421191.